The following is an entry in ClinVar:

NM_001164665.2(KIAA1549):c.5041G>A (p.Glu1681Lys)

Gene: KIAA1549 (KIAA1549; minus strand). Cytogenetic location: 7q34.
Variant type: single nucleotide variant.
Coding change: c.5041G>A on transcript NM_001164665.2 (MANE Select); coding-DNA position 5041, G replaced by A.
Protein change: p.Glu1681Lys; replaces glutamic acid 1681 with lysine.
Molecular consequence: missense variant.
Genome position (GRCh38, 1-based): chr7:138,861,345, C>T on the plus strand (G>A on the coding strand, the complement: KIAA1549 is on the minus strand). VCF-style: chr7-138861345-C-T. GRCh37 (hg19) VCF-style: chr7-138546091-C-T.
Other names: c.5041G>A, p.Glu1681Lys (NM_020910.3); short protein forms E1681K.
Identifiers: ClinVar variation 2168776 (VCV002168776.5), dbSNP rs779444225, ClinGen allele CA4505666.

ClinVar aggregate classification (germline): Uncertain significance. Review status: criteria provided, multiple submitters, no conflicts (2 of 4 stars). 2 submissions from 2 submitters: Uncertain significance (2). Last evaluated 2022-04-15.

Allele frequency attached by ClinVar (database versions not stated): gnomAD 0.00001; gnomAD exomes 0.00001; TOPMed 0.00001; ExAC 0.00003.
gnomAD v4.1: 18 of 1,608,774 alleles (0.0011%); highest among the groups gnomAD compares: Admixed American, 0.0017%; no homozygotes.

Submissions (2):

Labcorp Genetics (formerly Invitae), Labcorp
Classification: Uncertain significance. Last evaluated: 2022-04-15. Review status: criteria provided, single submitter. Criteria: Invitae Variant Classification Sherloc (09022015). Collection method: clinical testing. Allele origin: germline.
Comment: In summary, the available evidence is currently insufficient to determine the role of this variant in disease. Therefore, it has been classified as a Variant of Uncertain Significance. Algorithms developed to predict the effect of missense changes on protein structure and function are either unavailable or do not agree on the potential impact of this missense change (SIFT: "Deleterious"; PolyPhen-2: "Probably Damaging"; Align-GVGD: "Class C0"). This variant has not been reported in the literature in individuals affected with KIAA1549-related conditions. This variant is present in population databases (rs779444225, gnomAD 0.006%). This sequence change replaces glutamic acid, which is acidic and polar, with lysine, which is basic and polar, at codon 1681 of the KIAA1549 protein (p.Glu1681Lys).

Blueprint Genetics
Classification: Uncertain significance. Last evaluated: 2022-04-01. Review status: criteria provided, single submitter. Criteria: ACMG Guidelines, 2015. Collection method: clinical testing. Allele origin: germline.